The following is an entry in ClinVar:

ClinVar aggregate classification (germline): Conflicting classifications of pathogenicity. Review status: criteria provided, conflicting classifications (1 of 4 stars). 2 submissions from 2 submitters: Likely pathogenic (1); Uncertain significance (1). Last evaluated 2025-08-15.

Conditions:
Hereditary cancer-predisposing syndrome. Also called: Hereditary Cancer Syndrome; Hereditary neoplastic syndrome; Neoplastic Syndromes, Hereditary; Tumor predisposition. Identifiers: Orphanet 140162, MedGen C0027672, MeSH D009386, MONDO:0015356.
Familial adenomatous polyposis 2. Also called: MUTYH-associated polyposis; MUTYH-related attenuated familial adenomatous polyposis; FAP type 2; Adenomas, multiple colorectal; MYH-associated polyposis; MUTYH Polyposis. Identifiers: Orphanet 220460, Orphanet 247798, MedGen C3272841, MONDO:0012041, OMIM 608456.

Submissions (2):

Ambry Genetics
Classification: Likely pathogenic for Hereditary cancer-predisposing syndrome. Last evaluated: 2025-08-15. Review status: criteria provided, single submitter. Criteria: Ambry Variant Classification Scheme 2023. Collection method: clinical testing. Allele origin: germline.
Comment: The p.M136I variant (also known as c.408G>A), located in coding exon 5 of the MUTYH gene, results from a G to A substitution at nucleotide position 408. The methionine at codon 136 is replaced by isoleucine, an amino acid with highly similar properties. In a massively parallel cell-based functional assay testing 7,8-dihydro-8-oxoguanine:adenine (8OG:A) repair activity, a byproduct of oxidative damage, this variant was reported to be non-functional (Hemker SL et al. Am J Hum Genet. Published online July 29, 2025. DOI: 10.1016/j.ajhg.2025.07.005). This amino acid position is highly conserved in available vertebrate species. In addition, this alteration is predicted to be deleterious by in silico analysis. This variant is considered to be rare based on population cohorts in the Genome Aggregation Database (gnomAD). Based on the majority of available evidence to date, this variant is likely to be pathogenic.

Labcorp Genetics (formerly Invitae), Labcorp
Classification: Uncertain significance for Familial adenomatous polyposis 2. Last evaluated: 2025-04-02. Review status: criteria provided, single submitter. Criteria: Invitae Variant Classification Sherloc (09022015). Collection method: clinical testing. Allele origin: germline.
Comment: This sequence change replaces methionine, which is neutral and non-polar, with isoleucine, which is neutral and non-polar, at codon 136 of the MUTYH protein (p.Met136Ile). This variant is not present in population databases (gnomAD no frequency). This variant has not been reported in the literature in individuals affected with MUTYH-related conditions. ClinVar contains an entry for this variant (Variation ID: 1737722). An algorithm developed to predict the effect of missense changes on protein structure and function (PolyPhen-2) suggests that this variant is likely to be disruptive. In summary, the available evidence is currently insufficient to determine the role of this variant in disease. Therefore, it has been classified as a Variant of Uncertain Significance.

Literature cited by the submitters: PubMed 40738107 (cited by Ambry Genetics).

NM_001048174.2(MUTYH):c.324G>A (p.Met108Ile)

Gene: MUTYH (mutY DNA glycosylase; minus strand). Cytogenetic location: 1p34.1.
Variant type: single nucleotide variant.
Coding change: c.324G>A on transcript NM_001048174.2 (MANE Select); coding-DNA position 324, G replaced by A.
Protein change: p.Met108Ile; replaces methionine 108 with isoleucine.
Molecular consequence: missense variant. On other transcripts: non-coding transcript variant (1), intron variant (2).
Genome position (GRCh38, 1-based): chr1:45,333,151, C>T on the plus strand (G>A on the coding strand, the complement: MUTYH is on the minus strand). VCF-style: chr1-45333151-C-T. GRCh37 (hg19) VCF-style: chr1-45798823-C-T.
Other names: c.324G>A, p.Met108Ile (NM_001048171.2, NM_001048173.2, NM_001293195.2 and 6 more transcripts); c.327G>A, p.Met109Ile (NM_001048172.2, NM_001407071.1, NM_001407078.1 and 2 more transcripts); c.408G>A, p.Met136Ile (NM_001128425.2); c.369G>A, p.Met123Ile (NM_001293190.2); c.357G>A, p.Met119Ile (NM_001293191.2, NM_001407077.1); c.48G>A, p.Met16Ile (NM_001293192.2, NM_001293196.2, NM_001407091.1); c.399G>A, p.Met133Ile (NM_001407069.1, NM_012222.3); c.366G>A, p.Met122Ile (NM_001407073.1, NM_001407083.1, NM_001407085.1); and 3 more; short protein forms M108I, M109I, M115I, M119I, M122I, M133I, M16I, M80I.
Identifiers: ClinVar variation 1737722 (VCV001737722.8), dbSNP rs2524226891, ClinGen allele CA340136179.